The following is an entry in ClinVar:

NM_006393.3(NEBL):c.2501G>A (p.Arg834Lys)

Gene: NEBL (nebulette; minus strand). Cytogenetic location: 10p12.31.
Variant type: single nucleotide variant.
Coding change: c.2501G>A on transcript NM_006393.3 (MANE Select); coding-DNA position 2501, G replaced by A.
Protein change: p.Arg834Lys; replaces arginine 834 with lysine.
Molecular consequence: missense variant.
Genome position (GRCh38, 1-based): chr10:20,812,786, C>T on the plus strand (G>A on the coding strand, the complement: NEBL is on the minus strand). VCF-style: chr10-20812786-C-T. GRCh37 (hg19) VCF-style: chr10-21101715-C-T.
Other names: c.512G>A, p.Arg171Lys (NM_001173484.2, NM_001377322.1, NM_213569.2); c.464G>A, p.Arg155Lys (NM_001377323.1); c.455G>A, p.Arg152Lys (NM_001377324.1); c.446G>A, p.Arg149Lys (NM_001377325.1); c.404G>A, p.Arg135Lys (NM_001377326.1, NM_001377327.1, NM_001377328.1); short protein forms R135K, R155K, R171K, R149K, R152K, R834K.
Identifiers: ClinVar variation 2891962 (VCV002891962.3), dbSNP rs774275229, ClinGen allele CA5432474.

ClinVar aggregate classification (germline): Uncertain significance (1 of 4 stars; one submission).

Conditions:
Primary dilated cardiomyopathy (DCM). Also called: Dilated Cardiomyopathy. Identifiers: Orphanet 217604, MedGen C0007193, MeSH D002311, MONDO:0005021, HP:0001644. Inheritance: Various modes of inheritance.

Allele frequency attached by ClinVar (database versions not stated): ExAC 0.00001.
gnomAD v4.1: 3 of 1,613,966 alleles (0.00019%); highest among the groups gnomAD compares: Non-Finnish European, 0.00025%; no homozygotes.

Submission:

Labcorp Genetics (formerly Invitae), Labcorp
Classification: Uncertain significance for Primary dilated cardiomyopathy. Last evaluated: 2023-07-08. Review status: criteria provided, single submitter. Criteria: Invitae Variant Classification Sherloc (09022015). Collection method: clinical testing. Allele origin: germline.
Comment: This variant has not been reported in the literature in individuals affected with NEBL-related conditions. An algorithm developed to predict the effect of missense changes on protein structure and function (PolyPhen-2) suggests that this variant is likely to be disruptive. This variant is present in population databases (rs774275229, gnomAD 0.003%). This sequence change replaces arginine, which is basic and polar, with lysine, which is basic and polar, at codon 834 of the NEBL protein (p.Arg834Lys). In summary, the available evidence is currently insufficient to determine the role of this variant in disease. Therefore, it has been classified as a Variant of Uncertain Significance.